The following is an entry in ClinVar:

NM_178170.3(NEK8):c.582C>T (p.Tyr194=)

Gene: NEK8 (NIMA related kinase 8; plus strand). Cytogenetic location: 17q11.2.
Variant type: single nucleotide variant.
Coding change: c.582C>T on transcript NM_178170.3 (MANE Select); coding-DNA position 582, C replaced by T.
Protein change: p.Tyr194=; no amino-acid change (tyrosine 194 retained).
Molecular consequence: synonymous variant.
Genome position (GRCh38, 1-based): chr17:28,735,335, C>T. VCF-style: chr17-28735335-C-T. GRCh37 (hg19) VCF-style: chr17-27062353-C-T.
Identifiers: ClinVar variation 322476 (VCV000322476.13), dbSNP rs201773965, ClinGen allele CA8467116.

ClinVar aggregate classification (germline): Conflicting classifications of pathogenicity. Review status: criteria provided, conflicting classifications (1 of 4 stars). 3 submissions from 3 submitters: Uncertain significance (1); Benign (1); Likely benign (1). Last evaluated 2026-01-14.

Conditions:
Nephronophthisis 9 (NPHP9). Identifiers: Orphanet 655, MedGen C3151188, MONDO:0013444, OMIM 613824.
NEK8-related disorder. Also called: NEK8-related condition.

Allele frequency attached by ClinVar (database versions not stated): gnomAD 0.00016; TOPMed 0.00019; ExAC 0.00025; gnomAD exomes 0.00029; 1000 Genomes Project 0.00040; 1000 Genomes Project 30x 0.00047.
gnomAD v4.1: 270 of 1,614,064 alleles (0.017%); highest among the groups gnomAD compares: Middle Eastern, 0.26%; 1 homozygote.

Submissions (3):

PreventionGenetics, part of Exact Sciences
Classification: Likely benign for NEK8-related condition. Last evaluated: 2026-01-14. Review status: criteria provided, single submitter. Criteria: ACMG Guidelines, 2015. Collection method: clinical testing. Allele origin: germline.
Comment: This variant is classified as likely benign based on ACMG/AMP sequence variant interpretation guidelines (Richards et al. 2015 PMID: 25741868, with internal and published modifications).

Labcorp Genetics (formerly Invitae), Labcorp
Classification: Benign for Nephronophthisis 9. Last evaluated: 2026-01-13. Review status: criteria provided, single submitter. Criteria: Invitae Variant Classification Sherloc (09022015). Collection method: clinical testing. Allele origin: germline.

Illumina Laboratory Services, Illumina
Classification: Uncertain significance for Nephronophthisis 9. Last evaluated: 2018-01-13. Review status: criteria provided, single submitter. Criteria: ICSL Variant Classification Criteria 13 December 2019. Collection method: clinical testing. Allele origin: germline.